The following is an entry in ClinVar:

NM_032119.4(ADGRV1):c.3621del (p.Leu1207_Val1208insTer)

Gene: ADGRV1 (adhesion G protein-coupled receptor V1; plus strand). Cytogenetic location: 5q14.3.
Variant type: Deletion.
Coding change: c.3621del on transcript NM_032119.4 (MANE Select); coding-DNA position 3621, one base deleted (T; older notation c.3621delT).
Protein change: p.Leu1207_Val1208insTer.
Molecular consequence: frameshift variant. On other transcripts: non-coding transcript variant (1).
Genome position (GRCh38, 1-based): chr5:90,652,550, T deleted; the last of 2 consecutive T bases (chr5:90,652,549-90,652,550); deleting either gives the same sequence. VCF-style (leftmost placement, unchanged base first): chr5-90652548-CT-C. GRCh37 (hg19) VCF-style: chr5-89948365-CT-C.
Identifiers: ClinVar variation 1072913 (VCV001072913.7), dbSNP rs1292748326, ClinGen allele CA815360789.

ClinVar aggregate classification (germline): Pathogenic (1 of 4 stars; one submission).

Submission:

Labcorp Genetics (formerly Invitae), Labcorp
Classification: Pathogenic. Last evaluated: 2022-06-20. Review status: criteria provided, single submitter. Criteria: Invitae Variant Classification Sherloc (09022015). Collection method: clinical testing. Allele origin: germline.
Comment: This sequence change creates a premature translational stop signal (p.Val1208*) in the ADGRV1 gene. It is expected to result in an absent or disrupted protein product. Loss-of-function variants in ADGRV1 are known to be pathogenic (PMID: 19357117, 22135276, 22147658, 26226137, 26667666, 30029497, 32467589). For these reasons, this variant has been classified as Pathogenic. ClinVar contains an entry for this variant (Variation ID: 1072913). This variant has not been reported in the literature in individuals affected with ADGRV1-related conditions. This variant is not present in population databases (gnomAD no frequency).

Literature cited by the submitters: PubMed 19357117; PubMed 22135276; PubMed 22147658; PubMed 26226137; PubMed 26667666; PubMed 30029497; PubMed 32467589.